The following is an entry in ClinVar:

ClinVar aggregate classification (germline): Uncertain significance (1 of 4 stars; one submission).

Conditions:
Amyotrophic lateral sclerosis type 12 (ALS12). Also called: AMYOTROPHIC LATERAL SCLEROSIS 12 WITH OR WITHOUT FRONTOTEMPORAL DEMENTIA. Identifiers: Orphanet 803, MedGen C3150692, MONDO:0013264, OMIM 613435.
Primary open angle glaucoma (POAG). Also called: OPTN-related open angle glaucoma. Identifiers: MedGen C0339573, MONDO:0100553, OMIM 137760.
Glaucoma 1, open angle, E. Identifiers: MedGen C1842026, MONDO:0007665.

Submission:

Labcorp Genetics (formerly Invitae), Labcorp
Classification: Uncertain significance for Primary open angle glaucoma; Glaucoma 1, open angle, E; Amyotrophic lateral sclerosis type 12. Last evaluated: 2022-01-26. Review status: criteria provided, single submitter. Criteria: Invitae Variant Classification Sherloc (09022015). Collection method: clinical testing. Allele origin: germline.
Comment: In summary, the available evidence is currently insufficient to determine the role of this variant in disease. Therefore, it has been classified as a Variant of Uncertain Significance. Algorithms developed to predict the effect of missense changes on protein structure and function (SIFT, PolyPhen-2, Align-GVGD) all suggest that this variant is likely to be disruptive. This variant has not been reported in the literature in individuals affected with OPTN-related conditions. This variant is not present in population databases (gnomAD no frequency). This sequence change replaces aspartic acid, which is acidic and polar, with histidine, which is basic and polar, at codon 445 of the OPTN protein (p.Asp445His).

NM_001008212.2(OPTN):c.1333G>C (p.Asp445His)

Gene: OPTN (optineurin; plus strand). Cytogenetic location: 10p13.
Variant type: single nucleotide variant.
Coding change: c.1333G>C on transcript NM_001008212.2 (MANE Select); coding-DNA position 1333, G replaced by C.
Protein change: p.Asp445His; replaces aspartic acid 445 with histidine.
Molecular consequence: missense variant.
Genome position (GRCh38, 1-based): chr10:13,127,835, G>C. VCF-style: chr10-13127835-G-C. GRCh37 (hg19) VCF-style: chr10-13169835-G-C.
Other names: c.1333G>C, p.Asp445His (NM_001008211.1, NM_001008213.1, NM_021980.4); short protein forms D445H.
Identifiers: ClinVar variation 2090021 (VCV002090021.4), dbSNP rs866078831, ClinGen allele CA376029972.